The following is an entry in ClinVar:

ClinVar aggregate classification (germline): Pathogenic/Likely pathogenic. Review status: criteria provided, multiple submitters, no conflicts (2 of 4 stars). 8 submissions from 8 submitters: Pathogenic (5); Likely pathogenic (1). 2 of the submissions do not count toward it. Last evaluated 2025-08-21.

Conditions:
FKRP-related disorder. Also called: FKRP-related condition.
Muscular dystrophy-dystroglycanopathy. Also called: Congenital muscular dystrophy due to dystroglycanopathy. Identifiers: Orphanet 370953, MedGen C5679911, MONDO:0018276.
Walker-Warburg congenital muscular dystrophy. Also called: Muscular dystrophy-dystroglycanopathy, type A; Walker-Warburg syndrome. Identifiers: Orphanet 899, MedGen C0265221, MONDO:0000171.
Autosomal recessive limb-girdle muscular dystrophy. Identifiers: Orphanet 102015, MedGen C2931907, MONDO:0015152.
Autosomal recessive limb-girdle muscular dystrophy type 2I. Also called: MUSCULAR DYSTROPHY-DYSTROGLYCANOPATHY (LIMB-GIRDLE), TYPE C, 5; MUSCULAR DYSTROPHY-DYSTROGLYCANOPATHY, LIMB-GIRDLE, FRKP-RELATED; MUSCULAR DYSTROPHY, LIMB-GIRDLE, TYPE 2I. Identifiers: Orphanet 34515, MedGen C1846672, MONDO:0011787, OMIM 607155.

Allele frequency attached by ClinVar (database versions not stated): TOPMed below 0.00001; gnomAD 0.00001; gnomAD exomes 0.00001; ExAC 0.00002.
gnomAD v4.1: 4 of 1,612,740 alleles (0.00025%); highest among the groups gnomAD compares: Non-Finnish European, 0.00034%; no homozygotes.

Submissions (8):

3billion
Classification: Pathogenic for Autosomal recessive limb-girdle muscular dystrophy type 2I. Last evaluated: 2025-08-21. Review status: criteria provided, single submitter. Criteria: ACMG Guidelines, 2015. Collection method: clinical testing. Allele origin: germline. Affected: yes.
Comment: The variant is observed at an extremely low frequency in the gnomAD v4.1.0 dataset (total allele frequency: <0.001%). Predicted Consequence/Location: Stop lost variant The variant has been reported to be in trans with a pathogenic variant as either compound heterozygous or homozygous in at least 2 similarly affected unrelated individuals (PMID: 12707439, 15060126, 18671187). The variant has been reported at least twice as pathogenic without evidence for the classification (ClinVar ID: VCV000004223 /PMID: 12707439). Therefore, this variant is classified as Pathogenic according to the recommendation of ACMG/AMP guideline.

Labcorp Genetics (formerly Invitae), Labcorp
Classification: Pathogenic for Walker-Warburg congenital muscular dystrophy. Last evaluated: 2024-12-23. Review status: criteria provided, single submitter. Criteria: Invitae Variant Classification Sherloc (09022015). Collection method: clinical testing. Allele origin: germline.
Comment: This sequence change disrupts the translational stop signal of the FKRP mRNA. It is expected to extend the length of the FKRP protein by 21 additional amino acid residues. This variant is present in population databases (rs104894682, gnomAD 0.0009%). This protein extension has been observed in individuals with limb girdle muscular dystrophy (PMID: 10838249, 12707439, 15060126, 18671187). It has also been observed to segregate with disease in related individuals. ClinVar contains an entry for this variant (Variation ID: 4223). Experimental studies and prediction algorithms are not available or were not evaluated, and the functional significance of this variant is currently unknown. For these reasons, this variant has been classified as Pathogenic.

Women's Health and Genetics/Laboratory Corporation of America, LabCorp
Classification: Pathogenic for Autosomal recessive limb-girdle muscular dystrophy. Last evaluated: 2022-03-01. Review status: criteria provided, single submitter. Criteria: LabCorp Variant Classification Summary - May 2015. Collection method: clinical testing. Allele origin: germline.
Comment: Variant summary: FKRP c.1486T>A (p.X496ArgextX21) changes the termination codon and is predicted to lead to an extended protein with additional amino acids added to the normal C-terminus. The variant allele was found at a frequency of 8.1e-06 in 245964 control chromosomes (gnomAD). c.1486T>A has been reported in the literature in multiple individuals affected with Limb-Girdle Muscular Dystrophy and vacuolar myopathy (examples: Driss_2003, Kefi_2008, Mair_2020, Walter_FKRP_2004). The variant also seggregated with disease. These data indicate that the variant is very likely to be associated with disease. Driss_2003 demonstrated that this variant reduced alpha dystroglycan and laminin levels in isolated muscle protein immmunoblots. Five clinical diagnostic laboratories have submitted clinical-significance assessments for this variant to ClinVar after 2014 and classified the variant as pathogenic (n=4) and likely pathogenic (n=1). Based on the evidence outlined above, the variant was classified as pathogenic.

Blueprint Genetics
Classification: Pathogenic for FKRP-related disorders. Last evaluated: 2019-09-13. Review status: criteria provided, single submitter. Criteria: ACMG Guidelines, 2015. Collection method: clinical testing. Allele origin: germline. Affected: yes. Observed: 1 variant allele.

Eurofins Ntd Llc (ga)
Classification: Pathogenic. Last evaluated: 2017-04-25. Review status: criteria provided, single submitter. Criteria: EGL Classification Definitions 2015. Collection method: clinical testing. Allele origin: germline. Observed: 3 variant alleles, 3 heterozygotes.

Genetic Services Laboratory, University of Chicago
Classification: Likely pathogenic for Muscular dystrophy-dystroglycanopathy. Last evaluated: 2017-04-13. Review status: criteria provided, single submitter. Criteria: ACMG Guidelines, 2015. Collection method: clinical testing. Allele origin: germline. Affected: yes.

Natera, Inc.
Classification: Pathogenic for Limb-girdle muscular dystrophy type 2I. Last evaluated: 2020-09-09. Review status: no assertion criteria provided. Collection method: clinical testing. Allele origin: germline. Not counted in ClinVar's aggregate classification.

OMIM
Classification: Pathogenic for MUSCULAR DYSTROPHY-DYSTROGLYCANOPATHY (LIMB-GIRDLE), TYPE C, 5. Last evaluated: 2003-04-22. Review status: no assertion criteria provided. Collection method: literature only. Allele origin: germline. Not counted in ClinVar's aggregate classification.

Literature cited by the submitters: PubMed 12707439 (cited by 4 submitters); PubMed 15060126 (cited by 3 submitters); PubMed 18671187 (cited by 3 submitters); PubMed 10838249 (cited by Labcorp Genetics (formerly Invitae), Labcorp); PubMed 32419263 (cited by Women's Health and Genetics/Laboratory Corporation of America, LabCorp).

NM_024301.5(FKRP):c.1486T>A (p.Ter496Arg)

Gene: FKRP (fukutin related protein; plus strand). Cytogenetic location: 19q13.32.
Variant type: single nucleotide variant.
Coding change: c.1486T>A on transcript NM_024301.5 (MANE Select); coding-DNA position 1486, T replaced by A.
Protein change: p.Ter496Arg.
Molecular consequence: stop lost.
Genome position (GRCh38, 1-based): chr19:46,756,936, T>A. VCF-style: chr19-46756936-T-A. GRCh37 (hg19) VCF-style: chr19-47260193-T-A.
Other names: *496R; c.1486T>A, p.Ter496Arg (NM_001039885.3).
Identifiers: ClinVar variation 4223 (VCV000004223.20), dbSNP rs104894682, ClinGen allele CA116704.